The following is an entry in ClinVar:

ClinVar aggregate classification (germline): Uncertain significance (1 of 4 stars; one submission).

Conditions:
Hereditary pancreatitis (PCTT). Also called: Hereditary chronic pancreatitis; PRSS1-Related Hereditary Pancreatitis. Identifiers: Orphanet 676, MedGen C0238339, MONDO:0008185, OMIM 167800.

Allele frequency attached by ClinVar (database versions not stated): ExAC 0.00004.

Submission:

Ambry Genetics
Classification: Uncertain significance for Hereditary pancreatitis. Last evaluated: 2021-07-29. Review status: criteria provided, single submitter. Criteria: Ambry Variant Classification Scheme 2023. Collection method: clinical testing. Allele origin: germline.
Comment: The p.V118I variant (also known as c.352G>A), located in coding exon 3 of the PRSS1 gene, results from a G to A substitution at nucleotide position 352. The valine at codon 118 is replaced by isoleucine, an amino acid with highly similar properties. This amino acid position is conserved. In addition, this alteration is predicted to be tolerated by in silico analysis. Since supporting evidence is limited at this time, the clinical significance of this alteration remains unclear.

NM_002769.5(PRSS1):c.352G>A (p.Val118Ile)

Genes: PRSS1 (serine protease 1; plus strand), TRB (T cell receptor beta locus; plus strand). Cytogenetic location: 7q34.
Variant type: single nucleotide variant.
Coding change: c.352G>A on transcript NM_002769.5 (MANE Select); coding-DNA position 352, G replaced by A.
Protein change: p.Val118Ile; replaces valine 118 with isoleucine.
Molecular consequence: missense variant. On other transcripts: non-coding transcript variant (4).
Genome position (GRCh38, 1-based): chr7:142,751,925, G>A. VCF-style: chr7-142751925-G-A. GRCh37 (hg19) VCF-style: chr7-142459776-G-A.
Other names: short protein forms V118I.
Identifiers: ClinVar variation 1732350 (VCV001732350.2), dbSNP rs766098231, ClinGen allele CA4529931.